The following is an entry in ClinVar:

NM_000492.4(CFTR):c.3747G>A (p.Gly1249=)

Genes: CFTR (CF transmembrane conductance regulator; plus strand), CFTR-AS2 (CFTR antisense RNA 2; minus strand). Cytogenetic location: 7q31.2.
Variant type: single nucleotide variant.
Coding change: c.3747G>A on transcript NM_000492.4 (MANE Select); coding-DNA position 3747, G replaced by A.
Protein change: p.Gly1249=; no amino-acid change (glycine 1249 retained).
Molecular consequence: synonymous variant.
Genome position (GRCh38, 1-based): chr7:117,642,467, G>A. VCF-style: chr7-117642467-G-A. GRCh37 (hg19) VCF-style: chr7-117282521-G-A.
Identifiers: ClinVar variation 195731 (VCV000195731.16), dbSNP rs794727373, ClinGen allele CA242296.
Genomic context (GRCh38, chr7:117,642,467, plus strand): 5'-CAGAAGTGATCCCATCACTTTTACCTTATAGGTGGGCCTCTTGGGAAGAACTGGATCAGG[G>A]AAGAGTACTTTGTTATCAGCTTTTTTGAGACTACTGAACACTGAAGGAGAAATCCAGATC-3'
Protein context (NP_000483.3, residues 1239-1259): RVGLLGRTGS[Gly1249=]KSTLLSAFLR

ClinVar aggregate classification (germline): Conflicting classifications of pathogenicity. Review status: criteria provided, conflicting classifications (1 of 4 stars). 4 submissions from 4 submitters: Uncertain significance (1); Likely benign (3). Last evaluated 2025-05-12.

Conditions:
CFTR-related disorder (CFTR-RD). Also called: CFTR-related disorders; CFTR-related condition. Identifiers: MedGen C5924204, MONDO:7770004.
Cystic fibrosis (CF). Also called: MUCOVISCIDOSIS. Identifiers: Orphanet 586, MedGen C0010674, MONDO:0009061, OMIM 219700. Disease mechanism: loss of function.

Allele frequency attached by ClinVar (database versions not stated): gnomAD exomes below 0.00001; TOPMed 0.00001.
gnomAD v4.1: 4 of 1,613,550 alleles (0.00025%); highest among the groups gnomAD compares: African/African-American, 0.0053%; no homozygotes.

Submissions (4):

PreventionGenetics, part of Exact Sciences
Classification: Likely benign for CFTR-related condition. Last evaluated: 2025-05-12. Review status: criteria provided, single submitter. Criteria: ACMG Guidelines, 2015. Collection method: clinical testing. Allele origin: germline.
Comment: This variant is classified as likely benign based on ACMG/AMP sequence variant interpretation guidelines (Richards et al. 2015 PMID: 25741868, with internal and published modifications).

Labcorp Genetics (formerly Invitae), Labcorp
Classification: Likely benign for Cystic fibrosis. Last evaluated: 2023-06-29. Review status: criteria provided, single submitter. Criteria: Invitae Variant Classification Sherloc (09022015). Collection method: clinical testing. Allele origin: germline.

Ambry Genetics
Classification: Likely benign for Cystic fibrosis. Last evaluated: 2019-07-30. Review status: criteria provided, single submitter. Criteria: Ambry Variant Classification Scheme 2023. Collection method: clinical testing. Allele origin: germline.

Eurofins Ntd Llc (ga)
Classification: Uncertain significance. Last evaluated: 2015-01-15. Review status: criteria provided, single submitter. Criteria: EGL Classification Definitions 2015. Collection method: clinical testing. Allele origin: germline. Observed: 1 variant allele, 1 heterozygote.